The following is an entry in ClinVar:

ClinVar aggregate classification (germline): Pathogenic (1 of 4 stars; one submission).

Conditions:
LAMA2-related muscular dystrophy (LAMA2-RD). Also called: Laminin alpha 2-related dystrophy. Identifiers: MedGen C5679788, MONDO:0100228.

Submission:

Labcorp Genetics (formerly Invitae), Labcorp
Classification: Pathogenic for LAMA2-related muscular dystrophy. Last evaluated: 2018-06-20. Review status: criteria provided, single submitter. Criteria: Invitae Variant Classification Sherloc (09022015). Collection method: clinical testing. Allele origin: germline.
Comment: Loss-of-function variants in LAMA2 are known to be pathogenic (PMID: 18700894). This variant has not been reported in the literature in individuals with LAMA2-related disease. This variant is not present in population databases (ExAC no frequency). This sequence change creates a premature translational stop signal (p.Ile85Asnfs*20) in the LAMA2 gene. It is expected to result in an absent or disrupted protein product. For these reasons, this variant has been classified as Pathogenic.

Literature cited by the submitters: PubMed 18700894.

NM_000426.4(LAMA2):c.253dup (p.Ile85fs)

Gene: LAMA2 (laminin subunit alpha 2; plus strand). Cytogenetic location: 6q22.33.
Variant type: Duplication.
Coding change: c.253dup on transcript NM_000426.4 (MANE Select); coding-DNA position 253, one base duplicated (A; older notation c.253dupA).
Protein change: p.Ile85fs; shifts the reading frame from isoleucine 85.
Molecular consequence: frameshift variant.
Genome position (GRCh38, 1-based): chr6:129,050,058, A duplicated; the last of 2 consecutive A bases (chr6:129,050,057-129,050,058); duplicating either gives the same sequence. VCF-style (leftmost placement, unchanged base first): chr6-129050056-G-GA. GRCh37 (hg19) VCF-style: chr6-129371201-G-GA.
Other names: c.253dupA (NM_000426.3); c.253dup, p.Ile85fs (NM_001079823.2); short protein forms I85fs.
Identifiers: ClinVar variation 567730 (VCV000567730.7), dbSNP rs1248727589, ClinGen allele CA818797471.